The following is an entry in ClinVar:

ClinVar aggregate classification (germline): Uncertain significance. Review status: criteria provided, multiple submitters, no conflicts (2 of 4 stars). 2 submissions from 2 submitters: Uncertain significance (2). Last evaluated 2024-12-15.

Allele frequency attached by ClinVar (database versions not stated): ExAC 0.00009; ESP Exome Variant Server 0.00024; gnomAD exomes 0.00029.

Submissions (2):

Labcorp Genetics (formerly Invitae), Labcorp
Classification: Uncertain significance. Last evaluated: 2024-12-15. Review status: criteria provided, single submitter. Criteria: Invitae Variant Classification Sherloc (09022015). Collection method: clinical testing. Allele origin: germline.
Comment: This sequence change replaces valine, which is neutral and non-polar, with methionine, which is neutral and non-polar, at codon 457 of the KIAA1161 protein (p.Val457Met). This variant is present in population databases (rs201349375, gnomAD 0.02%). This variant has not been reported in the literature in individuals affected with KIAA1161-related conditions. ClinVar contains an entry for this variant (Variation ID: 2052677). Invitae Evidence Modeling of protein sequence and biophysical properties (such as structural, functional, and spatial information, amino acid conservation, physicochemical variation, residue mobility, and thermodynamic stability) indicates that this missense variant is not expected to disrupt KIAA1161 protein function with a negative predictive value of 80%. In summary, the available evidence is currently insufficient to determine the role of this variant in disease. Therefore, it has been classified as a Variant of Uncertain Significance.

Ambry Genetics
Classification: Uncertain significance. Last evaluated: 2024-03-30. Review status: criteria provided, single submitter. Criteria: Ambry Variant Classification Scheme 2023. Collection method: clinical testing. Allele origin: germline.

NM_020702.5(MYORG):c.1369G>A (p.Val457Met)

Gene: MYORG (myogenesis regulating glycosidase; minus strand). Cytogenetic location: 9p13.3.
Variant type: single nucleotide variant.
Coding change: c.1369G>A on transcript NM_020702.5 (MANE Select); coding-DNA position 1369, G replaced by A.
Protein change: p.Val457Met; replaces valine 457 with methionine.
Molecular consequence: missense variant.
Genome position (GRCh38, 1-based): chr9:34,371,575, C>T on the plus strand (G>A on the coding strand, the complement: MYORG is on the minus strand). VCF-style: chr9-34371575-C-T. GRCh37 (hg19) VCF-style: chr9-34371573-C-T.
Other names: c.1369G>A (NM_020702.3); short protein forms V457M.
Identifiers: ClinVar variation 2052677 (VCV002052677.5), dbSNP rs201349375, ClinGen allele CA5032942.